The following is an entry in ClinVar:

NM_003047.5(SLC9A1):c.2399C>T (p.Pro800Leu)

Gene: SLC9A1 (solute carrier family 9 member A1; minus strand). Cytogenetic location: 1p36.11.
Variant type: single nucleotide variant.
Coding change: c.2399C>T on transcript NM_003047.5 (MANE Select); coding-DNA position 2399, C replaced by T.
Protein change: p.Pro800Leu; replaces proline 800 with leucine.
Molecular consequence: missense variant. On other transcripts: non-coding transcript variant (1).
Genome position (GRCh38, 1-based): chr1:27,100,356, G>A on the plus strand (C>T on the coding strand, the complement: SLC9A1 is on the minus strand). VCF-style: chr1-27100356-G-A. GRCh37 (hg19) VCF-style: chr1-27426847-G-A.
Other names: short protein forms P800L.
Identifiers: ClinVar variation 2571792 (VCV002571792.1), dbSNP rs2523095478, ClinGen allele CA339176298.

ClinVar aggregate classification (germline): Uncertain significance (1 of 4 stars; one submission).

Submission:

GeneDx
Classification: Uncertain significance. Last evaluated: 2023-01-10. Review status: criteria provided, single submitter. Criteria: GeneDx Variant Classification Process June 2021. Collection method: clinical testing. Allele origin: germline. Affected: yes.
Comment: Not observed at significant frequency in large population cohorts (gnomAD); In silico analysis supports that this missense variant does not alter protein structure/function; Has not been previously published as pathogenic or benign to our knowledge